The following is an entry in ClinVar:

NM_172364.5(CACNA2D4):c.846C>G (p.Tyr282Ter)

Gene: CACNA2D4 (calcium voltage-gated channel auxiliary subunit alpha2delta 4; minus strand). Cytogenetic location: 12p13.33.
Variant type: single nucleotide variant.
Coding change: c.846C>G on transcript NM_172364.5 (MANE Select); coding-DNA position 846, C replaced by G.
Protein change: p.Tyr282Ter; replaces tyrosine 282 with a stop codon.
Molecular consequence: nonsense.
Genome position (GRCh38, 1-based): chr12:1,886,370, G>C on the plus strand (C>G on the coding strand, the complement: CACNA2D4 is on the minus strand). VCF-style: chr12-1886370-G-C. GRCh37 (hg19) VCF-style: chr12-1995536-G-C.
Other names: short protein forms Y282*.
Identifiers: ClinVar variation 1324006 (VCV001324006.9), dbSNP rs776513970, ClinGen allele CA6387375.
Genomic context (GRCh38, chr12:1,886,370, plus strand): 5'-CATACTGCCGCTCACGTCCACCAAAATCACTATGTCCTTGGGAGAAGTAGCAGCTTGAAT[G>C]TACCTGAAGGAAGAAAGGGACATGCCCAAGATGGGAAAACCAAAGCCGGAACCAATACCT-3'

ClinVar aggregate classification (germline): Conflicting classifications of pathogenicity. Review status: criteria provided, conflicting classifications (1 of 4 stars). 3 submissions from 3 submitters: Likely pathogenic (2); Uncertain significance (1). Last evaluated 2022-07-23.

Conditions:
CACNA2D4-related disorder. Also called: CACNA2D4-related condition.
Retinal cone dystrophy 4 (RCD4). Identifiers: Orphanet 1872, MedGen C1864849, MONDO:0012507, OMIM 610478.

gnomAD v4.1: 8 of 1,613,428 alleles (0.0005%); highest among the groups gnomAD compares: South Asian, 0.0088%; no homozygotes.

Submissions (3):

Labcorp Genetics (formerly Invitae), Labcorp
Classification: Uncertain significance. Last evaluated: 2022-07-23. Review status: criteria provided, single submitter. Criteria: Invitae Variant Classification Sherloc (09022015). Collection method: clinical testing. Allele origin: germline.
Comment: This sequence change creates a premature translational stop signal (p.Tyr282*) in the CACNA2D4 gene. It is expected to result in an absent or disrupted protein product. However, the current clinical and genetic evidence is not sufficient to establish whether loss-of-function variants in CACNA2D4 cause disease. In summary, the available evidence is currently insufficient to determine the role of this variant in disease. Therefore, it has been classified as a Variant of Uncertain Significance. Algorithms developed to predict the effect of sequence changes on RNA splicing suggest that this variant may create or strengthen a splice site. ClinVar contains an entry for this variant (Variation ID: 1324006). This variant has not been reported in the literature in individuals affected with CACNA2D4-related conditions. This variant is present in population databases (rs776513970, gnomAD 0.02%).

Blueprint Genetics
Classification: Likely pathogenic for CACNA2D4-related disorders. Last evaluated: 2019-12-04. Review status: criteria provided, single submitter. Criteria: ACMG Guidelines, 2015. Collection method: clinical testing. Allele origin: germline. Affected: yes. Observed: 4 variant alleles.

Revvity Omics, Revvity
Classification: Likely pathogenic for Retinal cone dystrophy 4. Last evaluated: 2019-06-21. Review status: criteria provided, single submitter. Criteria: ACMG Guidelines, 2015. Collection method: clinical testing. Allele origin: germline.